The following is an entry in ClinVar:

NM_005098.4(MSC):c.90C>G (p.Pro30=)

Genes: MSC (musculin; minus strand), MSC-AS1 (MSC antisense RNA 1; plus strand). Cytogenetic location: 8q13.3.
Variant type: single nucleotide variant.
Coding change: c.90C>G on transcript NM_005098.4 (MANE Select); coding-DNA position 90, C replaced by G.
Protein change: p.Pro30=; no amino-acid change (proline 30 retained).
Molecular consequence: synonymous variant.
Genome position (GRCh38, 1-based): chr8:71,844,089, G>C on the plus strand (C>G on the coding strand, the complement: MSC is on the minus strand). VCF-style: chr8-71844089-G-C. GRCh37 (hg19) VCF-style: chr8-72756324-G-C.
Identifiers: ClinVar variation 2658648 (VCV002658648.24), dbSNP rs2487368215, ClinGen allele CA461436424.

ClinVar aggregate classification (germline): Likely benign (1 of 4 stars; one submission).

gnomAD v4.1: 13 of 1,518,198 alleles (0.00086%); highest among the groups gnomAD compares: Non-Finnish European, 0.0011%; no homozygotes.

Submission:

CeGaT Center for Human Genetics Tuebingen
Classification: Likely benign. Last evaluated: 2022-05-01. Review status: criteria provided, single submitter. Criteria: CeGaT Center For Human Genetics Tuebingen Variant Classification Criteria Version 2. Collection method: clinical testing. Allele origin: germline. Affected: yes. Observed: 1 variant allele.
Comment: MSC: PM2:Supporting, BP4, BP7